The following is an entry in ClinVar:

ClinVar aggregate classification (germline): Likely benign. Review status: criteria provided, multiple submitters, no conflicts (2 of 4 stars). 5 submissions from 5 submitters: Likely benign (4). 1 of the submissions does not count toward it. Last evaluated 2026-01-19.

Conditions:
SLC13A5-related disorder. Also called: SLC13A5-related condition.
Inborn genetic diseases. Identifiers: MedGen C0950123, MeSH D030342.
Developmental and epileptic encephalopathy, 25 (DEE25). Also called: Developmental and epileptic encephalopathy 25, with amelogenesis imperfecta; Epileptic encephalopathy, early infantile, 25, with amelogenesis imperfecta; Epileptic encephalopathy, early infantile, 25. Identifiers: Orphanet 442835, MedGen C4014621, MONDO:0014392, OMIM 615905.

Allele frequency attached by ClinVar (database versions not stated): ExAC 0.00002; gnomAD exomes 0.00003; gnomAD 0.00006 and 0.00007; TOPMed 0.00008; ESP Exome Variant Server 0.00015.
gnomAD v4.1: 38 of 1,614,108 alleles (0.0024%); highest among the groups gnomAD compares: African/African-American, 0.015%; no homozygotes.

Submissions (5):

Labcorp Genetics (formerly Invitae), Labcorp
Classification: Likely benign for Developmental and epileptic encephalopathy, 25. Last evaluated: 2026-01-19. Review status: criteria provided, single submitter. Criteria: Invitae Variant Classification Sherloc (09022015). Collection method: clinical testing. Allele origin: germline.

Blueprint Genetics
Classification: Likely benign. Last evaluated: 2021-09-29. Review status: criteria provided, single submitter. Criteria: ACMG Guidelines, 2015. Collection method: clinical testing. Allele origin: germline.

Ambry Genetics
Classification: Likely benign for Inborn genetic diseases. Last evaluated: 2018-11-24. Review status: criteria provided, single submitter. Criteria: Ambry Variant Classification Scheme 2023. Collection method: clinical testing. Allele origin: germline.

GeneDx
Classification: Likely benign. Last evaluated: 2016-08-15. Review status: criteria provided, single submitter. Criteria: GeneDx Variant Classification (06012015). Collection method: clinical testing. Allele origin: germline. Affected: yes.
Comment: This variant is considered likely benign or benign based on one or more of the following criteria: it is a conservative change, it occurs at a poorly conserved position in the protein, it is predicted to be benign by multiple in silico algorithms, and/or has population frequency not consistent with disease.

PreventionGenetics, part of Exact Sciences
Classification: Likely benign for SLC13A5-related condition. Last evaluated: 2019-07-23. Review status: no assertion criteria provided. Collection method: clinical testing. Allele origin: germline. Not counted in ClinVar's aggregate classification.
Comment: This variant is classified as likely benign based on ACMG/AMP sequence variant interpretation guidelines (Richards et al. 2015 PMID: 25741868, with internal and published modifications).

NM_177550.5(SLC13A5):c.663C>T (p.Thr221=)

Gene: SLC13A5 (solute carrier family 13 member 5; minus strand). Cytogenetic location: 17p13.1.
Variant type: single nucleotide variant.
Coding change: c.663C>T on transcript NM_177550.5 (MANE Select); coding-DNA position 663, C replaced by T.
Protein change: p.Thr221=; no amino-acid change (threonine 221 retained).
Molecular consequence: synonymous variant.
Genome position (GRCh38, 1-based): chr17:6,703,023, G>A on the plus strand (C>T on the coding strand, the complement: SLC13A5 is on the minus strand). VCF-style: chr17-6703023-G-A. GRCh37 (hg19) VCF-style: chr17-6606342-G-A.
Other names: c.663C>T, p.Thr221= (NM_001143838.3); c.612C>T, p.Thr204= (NM_001284509.2); c.534C>T, p.Thr178= (NM_001284510.2).
Identifiers: ClinVar variation 388607 (VCV000388607.17), dbSNP rs373831482, ClinGen allele CA8331657.
Genomic context (GRCh38, chr17:6,703,023, plus strand): 5'-GACTCACTCGTTCATCTGGCCCAGGAGCACCACGTTGGGTCCCGTCCCGGTCAGGGTGGC[G>A]GTGCCCCCGATGCTGGCCGCGTAGCAGATGCACAGGGTCATGGCCTTACACAACCTCTTC-3'
Protein context (NP_808218.1, residues 211-231): CICYAASIGG[Thr221=]ATLTGTGPNV